The following is an entry in ClinVar:

NM_000528.4(MAN2B1):c.2282C>G (p.Pro761Arg)

Gene: MAN2B1 (mannosidase alpha class 2B member 1; minus strand). Cytogenetic location: 19p13.13.
Variant type: single nucleotide variant.
Coding change: c.2282C>G on transcript NM_000528.4 (MANE Select); coding-DNA position 2282, C replaced by G.
Protein change: p.Pro761Arg; replaces proline 761 with arginine.
Molecular consequence: missense variant.
Genome position (GRCh38, 1-based): chr19:12,649,414, G>C on the plus strand (C>G on the coding strand, the complement: MAN2B1 is on the minus strand). VCF-style: chr19-12649414-G-C. GRCh37 (hg19) VCF-style: chr19-12760228-G-C.
Other names: c.2279C>G, p.Pro760Arg (NM_001173498.2); short protein forms P760R, P761R.
Identifiers: ClinVar variation 1715977 (VCV001715977.3), dbSNP rs2512488433, ClinGen allele CA404241764.

ClinVar aggregate classification (germline): Uncertain significance (1 of 4 stars; one submission).

Conditions:
Deficiency of alpha-mannosidase (MANSA). Also called: Alpha-Mannosidosis; Mannosidosis, alpha-, types I and II; LYSOSOMAL ALPHA-D-MANNOSIDASE DEFICIENCY. Identifiers: Orphanet 61, MedGen C0024748, MONDO:0009561, OMIM 248500.

Submission:

Labcorp Genetics (formerly Invitae), Labcorp
Classification: Uncertain significance for Deficiency of alpha-mannosidase. Last evaluated: 2022-08-09. Review status: criteria provided, single submitter. Criteria: Invitae Variant Classification Sherloc (09022015). Collection method: clinical testing. Allele origin: germline.
Comment: This sequence change replaces proline, which is neutral and non-polar, with arginine, which is basic and polar, at codon 761 of the MAN2B1 protein (p.Pro761Arg). This variant is not present in population databases (gnomAD no frequency). This variant has not been reported in the literature in individuals affected with MAN2B1-related conditions. Algorithms developed to predict the effect of missense changes on protein structure and function are either unavailable or do not agree on the potential impact of this missense change (SIFT: "Tolerated"; PolyPhen-2: "Probably Damaging"; Align-GVGD: "Class C0"). In summary, the available evidence is currently insufficient to determine the role of this variant in disease. Therefore, it has been classified as a Variant of Uncertain Significance.